The following is an entry in ClinVar:

NC_000007.13:g.(?_146471343)_(146537016_?)dup

Gene: CNTNAP2 (contactin associated protein 2; plus strand). Cytogenetic location: 7q35.
Variant type: Duplication.
Identifiers: ClinVar variation 2425903 (VCV002425903.6).

ClinVar aggregate classification (germline): Likely pathogenic (1 of 4 stars; one submission).

Conditions:
Cortical dysplasia-focal epilepsy syndrome (PTHSL1). Also called: Pitt-Hopkins-like syndrome 1. Identifiers: Orphanet 163681, Orphanet 221150, MedGen C2750246, MONDO:0012400, OMIM 610042.

Submission:

Labcorp Genetics (formerly Invitae), Labcorp
Classification: Likely pathogenic for Cortical dysplasia-focal epilepsy syndrome. Last evaluated: 2022-08-19. Review status: criteria provided, single submitter. Criteria: Invitae Variant Classification Sherloc (09022015). Collection method: clinical testing. Allele origin: germline.
Comment: In summary, the currently available evidence indicates that the variant is pathogenic, but additional data are needed to prove that conclusively. Therefore, this variant has been classified as Likely Pathogenic. This variant has not been reported in the literature in individuals affected with CNTNAP2-related conditions. This variant results in a copy number gain of the genomic region encompassing exon(s) 2-3 of the CNTNAP2 gene. While the exact position of this variant cannot be determined from the data, sub-genic copy number gains are generally in tandem (PMID: 25640679). This variant is predicted to be out-of-frame, and may result in an absent or disrupted protein product. Loss-of-function variants in CNTNAP2 are known to be pathogenic (PMID: 19896112, 21827697, 25045150, 26843181, 27439707).

Literature cited by the submitters: PubMed 25640679; PubMed 19896112; PubMed 21827697; PubMed 25045150; PubMed 26843181; PubMed 27439707.